The following is an entry in ClinVar:

ClinVar aggregate classification (germline): Uncertain significance. Review status: criteria provided, multiple submitters, no conflicts (2 of 4 stars). 3 submissions from 3 submitters: Uncertain significance (3). Last evaluated 2026-01-14.

Conditions:
Type 2 diabetes mellitus. Also called: Type II diabetes mellitus. Identifiers: MedGen C0011860, MeSH D003924, MONDO:0005148, OMIM 125853, HP:0005978.
Leucine-induced hypoglycemia (LIH). Also called: LEUCINE-SENSITIVE HYPOGLYCEMIA OF INFANCY. Identifiers: MedGen C0271714, MONDO:0009415, OMIM 240800.
Diabetes mellitus, permanent neonatal 3. Also called: ABCC8-Related Permanent Neonatal Diabetes Mellitus. Identifiers: MedGen C5394303, MONDO:0030088, OMIM 618857.
Diabetes mellitus, transient neonatal, 2 (TNDM2). Identifiers: Orphanet 99886, MedGen C1835887, MONDO:0012480, OMIM 610374. Disease mechanism: loss of function.
Hyperinsulinemic hypoglycemia, familial, 1 (HHF1). Also called: NESIDIOBLASTOSIS OF PANCREAS; Persistent hyperinsulinemic hypoglycemia of infancy; HYPERINSULINISM, FAMILIAL, WITH PANCREATIC NESIDIOBLASTOSIS; HYPOGLYCEMIA, HYPERINSULINEMIC, OF INFANCY; Persistent Hyperinsulinemia Hypoglycemia of Infancy. Identifiers: Orphanet 276575, Orphanet 276598, MedGen C2931832, MONDO:0009734, OMIM 256450.

gnomAD v4.1: 3 of 1,595,178 alleles (0.00019%); highest among the groups gnomAD compares: South Asian, 0.0011%; no homozygotes.

Submissions (3):

Clinical Genomics Laboratory, Washington University in St. Louis
Classification: Uncertain significance for Hyperinsulinemic hypoglycemia, familial, 1. Last evaluated: 2026-01-14. Review status: criteria provided, single submitter. Criteria: ACMG Guidelines, 2015. Collection method: clinical testing. Allele origin: germline.
Comment: The ABCC8 c.4326G>C (p.Glu1442Asp) variant, also reported as NM_001287174.3:c.4329G>C (p.Glu1443Asp), has been reported in an individual with congenital hyperinsulinism (Kapoor RR et al., PMID: 23345197). In that report, the variant was inherited from an unaffected parent (Kapoor RR et al., PMID: 23345197). The variant was also reported in an individual with neonatal diabetes mellitus (Costa-Riquetto AD et al., PMID: 36510364). This variant is only observed in 3/1,595,178 alleles in the general population (gnomAD v4.1.0), indicating it is not a common variant. Computational predictors are uncertain as to the predicted impact of this variant on ABCC8 function. This variant has been reported in the ClinVar database as a germline variant of uncertain significance by a single submitter. Due to limited information, and based on ACMG/AMP guidelines for variant interpretation (Richards S et al., PMID: 25741868), the clinical significance of this variant is uncertain at this time.

Labcorp Genetics (formerly Invitae), Labcorp
Classification: Uncertain significance. Last evaluated: 2025-12-15. Review status: criteria provided, single submitter. Criteria: Invitae Variant Classification Sherloc (09022015). Collection method: clinical testing. Allele origin: germline.
Comment: This sequence change replaces glutamic acid, which is acidic and polar, with aspartic acid, which is acidic and polar, at codon 1442 of the ABCC8 protein (p.Glu1442Asp). The frequency data for this variant in the population databases is considered unreliable, as metrics indicate poor data quality at this position in the gnomAD database. This missense change has been observed in individual(s) with congenital hyperinsulinism and/or early onset diabetes (PMID: 6510364, 23345197). This variant is also known as c.4329G>C, p.Glu1443Asp. ClinVar contains an entry for this variant (Variation ID: 3599303). Invitae Evidence Modeling of protein sequence and biophysical properties (such as structural, functional, and spatial information, amino acid conservation, physicochemical variation, residue mobility, and thermodynamic stability) has been performed for this missense variant. However, the output from this modeling did not meet the statistical confidence thresholds required to predict the impact of this variant on ABCC8 protein function. In summary, the available evidence is currently insufficient to determine the role of this variant in disease. Therefore, it has been classified as a Variant of Uncertain Significance.

Fulgent Genetics
Classification: Uncertain significance for Type 2 diabetes mellitus; Leucine-induced hypoglycemia; Hyperinsulinemic hypoglycemia, familial, 1; Diabetes mellitus, transient neonatal, 2; Diabetes mellitus, permanent neonatal 3. Last evaluated: 2024-06-18. Review status: criteria provided, single submitter. Criteria: ACMG Guidelines, 2015. Collection method: clinical testing. Allele origin: germline.

Literature cited by the submitters: PubMed 6510364 (cited by Labcorp Genetics (formerly Invitae), Labcorp); PubMed 23345197 (cited by Labcorp Genetics (formerly Invitae), Labcorp).

NM_000352.6(ABCC8):c.4326G>C (p.Glu1442Asp)

Gene: ABCC8 (ATP binding cassette subfamily C member 8; minus strand). Cytogenetic location: 11p15.1.
Variant type: single nucleotide variant.
Coding change: c.4326G>C on transcript NM_000352.6 (MANE Select); coding-DNA position 4326, G replaced by C.
Protein change: p.Glu1442Asp; replaces glutamic acid 1442 with aspartic acid.
Molecular consequence: missense variant. On other transcripts: non-coding transcript variant (1).
Genome position (GRCh38, 1-based): chr11:17,395,257, C>G on the plus strand (G>C on the coding strand, the complement: ABCC8 is on the minus strand). VCF-style: chr11-17395257-C-G. GRCh37 (hg19) VCF-style: chr11-17416804-C-G.
Other names: c.4329G>C, p.Glu1443Asp (NM_001287174.3); c.4392G>C, p.Glu1464Asp (NM_001351295.2); c.4326G>C, p.Glu1442Asp (NM_001351296.2); c.4323G>C, p.Glu1441Asp (NM_001351297.2); short protein forms E1464D, E1442D, E1443D, E1441D.
Identifiers: ClinVar variation 3599303 (VCV003599303.3).